The following is an entry in ClinVar:

ClinVar aggregate classification (germline): Uncertain significance (1 of 4 stars; one submission).

Conditions:
Ciliary dyskinesia, primary, 37 (CILD37). Also called: CILIARY DYSKINESIA, PRIMARY, 37, WITH OR WITHOUT SITUS INVERSUS. Identifiers: MedGen C4539798, MONDO:0033204, OMIM 617577.
Spermatogenic failure 18. Identifiers: MedGen C4539783, MONDO:0054615, OMIM 617576.

Submission:

Labcorp Genetics (formerly Invitae), Labcorp
Classification: Uncertain significance for Ciliary dyskinesia, primary, 37; Spermatogenic failure 18. Last evaluated: 2022-09-12. Review status: criteria provided, single submitter. Criteria: Invitae Variant Classification Sherloc (09022015). Collection method: clinical testing. Allele origin: germline.
Comment: This variant, c.4744_4752del, results in the deletion of 3 amino acid(s) of the DNAH1 protein (p.Pro1582_Gly1584del), but otherwise preserves the integrity of the reading frame. This variant is not present in population databases (gnomAD no frequency). This variant has been observed in individual(s) with DNAH1-related conditions (PMID: 29449551). Experimental studies and prediction algorithms are not available or were not evaluated, and the functional significance of this variant is currently unknown. In summary, the available evidence is currently insufficient to determine the role of this variant in disease. Therefore, it has been classified as a Variant of Uncertain Significance.

Literature cited by the submitters: PubMed 29449551.

NM_015512.5(DNAH1):c.4735CCAGCTGGC[1] (p.1579PAG[1])

Gene: DNAH1 (dynein axonemal heavy chain 1; plus strand). Cytogenetic location: 3p21.1.
Variant type: Microsatellite.
Coding change: c.4735CCAGCTGGC[1] on transcript NM_015512.5 (MANE Select); one copy of the 9-base unit CCAGCTGGC starting at c.4735; the reference has two copies in a row; one copy, 9 bases deleted.
Protein change: p.1579PAG[1].
Molecular consequence: inframe deletion.
Genome position (GRCh38, 1-based): chr3:52,361,222-52,361,230, CCAGCTGGC deleted; deleting any 9 consecutive bases within chr3:52,361,212-52,361,230 gives the same sequence; the position shown is the placement nearest the transcript's 3' end. VCF-style (leftmost placement, unchanged base first): chr3-52361211-CCCCAGCTGG-C. GRCh37 (hg19) VCF-style: chr3-52395227-CCCCAGCTGG-C.
Identifiers: ClinVar variation 2151976 (VCV002151976.1), dbSNP rs2471208893, ClinGen allele CA2580616471.